The following is an entry in ClinVar:

ClinVar aggregate classification (germline): Likely benign. Review status: criteria provided, multiple submitters, no conflicts (2 of 4 stars). 2 submissions from 2 submitters: Likely benign (2). Last evaluated 2025-09-01.

Conditions:
Dilated cardiomyopathy 1G (CMD1G). Identifiers: Orphanet 154, MedGen C1858763, MONDO:0011400, OMIM 604145.
Autosomal recessive limb-girdle muscular dystrophy type 2J (LGMDR10). Also called: MUSCULAR DYSTROPHY, LIMB-GIRDLE, AUTOSOMAL RECESSIVE 10; Limb-girdle muscular dystrophy, type 2J. Identifiers: Orphanet 140922, MedGen C1837342, MONDO:0012127, OMIM 608807.

Allele frequency attached by ClinVar (database versions not stated): gnomAD 0.00001; TOPMed 0.00003.
gnomAD v4.1: 14 of 1,613,016 alleles (0.00087%); highest among the groups gnomAD compares: Admixed American, 0.023%; no homozygotes.

Submissions (2):

CeGaT Center for Human Genetics Tuebingen
Classification: Likely benign. Last evaluated: 2025-09-01. Review status: criteria provided, single submitter. Criteria: CeGaT Center For Human Genetics Tuebingen Variant Classification Criteria Version 2. Collection method: clinical testing. Allele origin: germline. Affected: yes. Observed: 1 variant allele.
Comment: TTN: BP4, BP7

Labcorp Genetics (formerly Invitae), Labcorp
Classification: Likely benign for Dilated cardiomyopathy 1G; Autosomal recessive limb-girdle muscular dystrophy type 2J. Last evaluated: 2025-05-11. Review status: criteria provided, single submitter. Criteria: Invitae Variant Classification Sherloc (09022015). Collection method: clinical testing. Allele origin: germline.

NM_001267550.2(TTN):c.62166C>T (p.Ser20722=)

Genes: TTN (titin; minus strand), TTN-AS1 (TTN antisense RNA 1; plus strand). Cytogenetic location: 2q31.2.
Variant type: single nucleotide variant.
Coding change: c.62166C>T on transcript NM_001267550.2 (MANE Select); coding-DNA position 62166, C replaced by T.
Protein change: p.Ser20722=; no amino-acid change (serine 20722 retained).
Molecular consequence: synonymous variant.
Genome position (GRCh38, 1-based): chr2:178,589,559, G>A on the plus strand (C>T on the coding strand, the complement: TTN is on the minus strand). VCF-style: chr2-178589559-G-A. GRCh37 (hg19) VCF-style: chr2-179454286-G-A.
Other names: c.57243C>T, p.Ser19081= (NM_001256850.1); c.34971C>T, p.Ser11657= (NM_003319.4); c.54462C>T, p.Ser18154= (NM_133378.4); c.35346C>T, p.Ser11782= (NM_133432.3); c.35547C>T, p.Ser11849= (NM_133437.4).
Identifiers: ClinVar variation 767546 (VCV000767546.16), dbSNP rs750725073, ClinGen allele CA1992257.